The following is an entry in ClinVar:

NM_178859.4(SLC51B):c.78G>T (p.Trp26Cys)

Genes: RASL12 (RAS like family 12; minus strand), SLC51B (SLC51 subunit beta; plus strand). Cytogenetic location: 15q22.31.
Variant type: single nucleotide variant.
Coding change: c.78G>T on transcript NM_178859.4 (MANE Select); coding-DNA position 78, G replaced by T.
Protein change: p.Trp26Cys; replaces tryptophan 26 with cysteine.
Molecular consequence: missense variant.
Genome position (GRCh38, 1-based): chr15:65,050,082, G>T. VCF-style: chr15-65050082-G-T. GRCh37 (hg19) VCF-style: chr15-65342420-G-T.
Other names: short protein forms W26C.
Identifiers: ClinVar variation 3698617 (VCV003698617.2).
Genomic context (GRCh38, chr15:65,050,082, plus strand): 5'-GGCTCCCGGAGACCCAGCCGGTACTGTGGTACCCCAGGAGCTGCTGGAAGAGATGCTTTG[G>T]TTTTTTCGTGTGGAAGATGGTAAGTGGTGAGAGATTGACGGCAGGGGTGGGGGTGTGCCC-3'
Protein context (NP_849190.2, residues 16-36): VPQELLEEML[Trp26Cys]FFRVEDASPW

ClinVar aggregate classification (germline): Uncertain significance (1 of 4 stars; one submission).

gnomAD v4.1: 1 of 1,551,648 alleles (0.000064%); highest among the groups gnomAD compares: Non-Finnish European, 0.000087%; no homozygotes.

Submission:

Labcorp Genetics (formerly Invitae), Labcorp
Classification: Uncertain significance. Last evaluated: 2025-12-24. Review status: criteria provided, single submitter. Criteria: Invitae Variant Classification Sherloc (09022015). Collection method: clinical testing. Allele origin: germline.
Comment: This sequence change replaces tryptophan, which is neutral and slightly polar, with cysteine, which is neutral and slightly polar, at codon 26 of the SLC51B protein (p.Trp26Cys). This variant is not present in population databases (gnomAD no frequency). This variant has not been reported in the literature in individuals affected with SLC51B-related conditions. ClinVar contains an entry for this variant (Variation ID: 3698617). An algorithm developed to predict the effect of missense changes on protein structure and function (PolyPhen-2) suggests that this variant is likely to be disruptive. In summary, the available evidence is currently insufficient to determine the role of this variant in disease. Therefore, it has been classified as a Variant of Uncertain Significance.